The following is an entry in ClinVar:

NM_000932.5(PLCB3):c.2642G>A (p.Gly881Glu)

Gene: PLCB3 (phospholipase C beta 3; plus strand). Cytogenetic location: 11q13.1.
Variant type: single nucleotide variant.
Coding change: c.2642G>A on transcript NM_000932.5 (MANE Select); coding-DNA position 2642, G replaced by A.
Protein change: p.Gly881Glu; replaces glycine 881 with glutamic acid.
Molecular consequence: missense variant.
Genome position (GRCh38, 1-based): chr11:64,264,102, G>A. VCF-style: chr11-64264102-G-A. GRCh37 (hg19) VCF-style: chr11-64031574-G-A.
Other names: c.2441G>A, p.Gly814Glu (NM_001184883.2); c.2642G>A, p.Gly881Glu (NM_001316314.3); short protein forms G814E, G881E.
Identifiers: ClinVar variation 4873460 (VCV004873460.2).

ClinVar aggregate classification (germline): Uncertain significance (1 of 4 stars; one submission).

gnomAD v4.1: 5 of 1,535,636 alleles (0.00033%); highest among the groups gnomAD compares: Middle Eastern, 0.088%; no homozygotes.

Submission:

CeGaT Center for Human Genetics Tuebingen
Classification: Uncertain significance. Last evaluated: 2026-04-01. Review status: criteria provided, single submitter. Criteria: CeGaT Center For Human Genetics Tuebingen Variant Classification Criteria Version 2. Collection method: clinical testing. Allele origin: germline. Affected: yes. Observed: 3 variant alleles.
Comment: PLCB3: PM2, PM3:Supporting